The following is an entry in ClinVar:

ClinVar aggregate classification (germline): Pathogenic. Review status: criteria provided, single submitter (1 of 4 stars). 2 submissions from 2 submitters: Pathogenic (1). 1 of the submissions does not count toward it. Last evaluated 2025-10-13.

Conditions:
NR0B1-related disorder.
Congenital adrenal hypoplasia, X-linked (AHC). Also called: Isolated X-Linked Adrenal Hypoplasia Congenita; ADRENAL HYPOPLASIA, CONGENITAL, WITH HYPOGONADOTROPIC HYPOGONADISM; X-linked AHC; X-Linked Adrenal Hypoplasia Congenita. Identifiers: Orphanet 95702, MedGen C0342482, MONDO:0010264, OMIM 300200. Disease mechanism: loss of function.

Submissions (2):

Myriad Genetics, Inc.
Classification: Pathogenic for Congenital adrenal hypoplasia, X-linked. Last evaluated: 2025-10-13. Review status: criteria provided, single submitter. Criteria: Myriad Autosomal Dominant, Autosomal Recessive and X-Linked Classification Criteria (2023). Collection method: clinical testing. Allele origin: unknown.
Comment: NM_000475.4(NR0B1):c.114_116delCTGinsTT(G40Afs*45) is a frameshift variant classified as pathogenic in the context of X-linked adrenal hypoplasia congenita. G40Afs*45 has not been observed in cases with relevant disease. Relevant functional assessments of this variant are not available in the literature. G40Afs*45 has not been observed in referenced population frequency databases. In summary, NM_000475.4(NR0B1):c.114_116delCTGinsTT(G40Afs*45) is a frameshift variant in a gene where loss of function is a known mechanism of disease and is predicted to disrupt protein function. Please note: this variant was assessed in the context of healthy population screening.

PreventionGenetics, part of Exact Sciences
Classification: Pathogenic for NR0B1-related condition. Last evaluated: 2024-06-22. Review status: no assertion criteria provided. Collection method: clinical testing. Allele origin: germline. Not counted in ClinVar's aggregate classification.
Comment: The NR0B1 c.114_116delinsTT variant is predicted to result in a frameshift and premature protein termination (p.Gly40Alafs*45). To our knowledge, this variant has not been reported in the literature or in a large population database, indicating this variant is rare. A similar variant has been reported in an individual with adrenal hypoplasia (p.Gly40AlafsX44 in Gupta et al. 2019. PubMed ID: 31219797). Frameshift variants in NR0B1 are expected to be pathogenic. This variant is interpreted as pathogenic.

NM_000475.5(NR0B1):c.114_116delinsTT (p.Gly40fs)

Gene: NR0B1 (nuclear receptor subfamily 0 group B member 1; minus strand). Cytogenetic location: Xp21.2.
Variant type: Indel.
Coding change: c.114_116delinsTT on transcript NM_000475.5 (MANE Select); coding-DNA positions 114 to 116, CTG replaced by TT.
Protein change: p.Gly40fs; shifts the reading frame from glycine 40.
Molecular consequence: frameshift variant.
Genome position (GRCh38, 1-based): chrX:30,309,248-30,309,250, CAG replaced by AA on the plus strand (CTG replaced by TT on the coding strand, the reverse complement: NR0B1 is on the minus strand). VCF-style: chrX-30309248-CAG-AA. GRCh37 (hg19) VCF-style: chrX-30327365-CAG-AA.
Other names: short protein forms G40fs.
Identifiers: ClinVar variation 3346295 (VCV003346295.2).